The following is an entry in ClinVar:

ClinVar aggregate classification (germline): Uncertain significance. Review status: criteria provided, multiple submitters, no conflicts (2 of 4 stars). 6 submissions from 6 submitters: Uncertain significance (5). 1 of the submissions does not count toward it. Last evaluated 2025-03-14.

Conditions:
MYO7A-related disorder. Also called: MYO7A-related disorders.
Usher syndrome type 1B (USH1B). Also called: Usher syndrome type IB. Identifiers: MedGen C1848638, MONDO:0700087.
Inborn genetic diseases. Identifiers: MedGen C0950123, MeSH D030342.

Allele frequency attached by ClinVar (database versions not stated): gnomAD exomes below 0.00001 and 0.00001; gnomAD 0.00001; TOPMed 0.00001; ExAC 0.00003.
gnomAD v4.1: 10 of 1,611,914 alleles (0.00062%); highest among the groups gnomAD compares: East Asian, 0.0067%; no homozygotes.

Submissions (6):

PreventionGenetics, part of Exact Sciences
Classification: Uncertain significance for MYO7A-related condition. Last evaluated: 2025-03-14. Review status: criteria provided, single submitter. Criteria: ACMG Guidelines, 2015. Collection method: clinical testing. Allele origin: germline.
Comment: The MYO7A c.1984A>T variant is predicted to result in the amino acid substitution p.Met662Leu. To our knowledge, this variant has not been reported in the literature. This variant is reported in 0.010% of alleles in individuals of East Asian descent in gnomAD. At this time, the clinical significance of this variant is uncertain due to the absence of conclusive functional and genetic evidence.

Labcorp Genetics (formerly Invitae), Labcorp
Classification: Uncertain significance. Last evaluated: 2025-03-13. Review status: criteria provided, single submitter. Criteria: Invitae Variant Classification Sherloc (09022015). Collection method: clinical testing. Allele origin: germline.
Comment: This sequence change replaces methionine, which is neutral and non-polar, with leucine, which is neutral and non-polar, at codon 662 of the MYO7A protein (p.Met662Leu). This variant is present in population databases (rs782485961, gnomAD 0.005%). This variant has not been reported in the literature in individuals affected with MYO7A-related conditions. ClinVar contains an entry for this variant (Variation ID: 517510). Invitae Evidence Modeling of protein sequence and biophysical properties (such as structural, functional, and spatial information, amino acid conservation, physicochemical variation, residue mobility, and thermodynamic stability) indicates that this missense variant is not expected to disrupt MYO7A protein function with a negative predictive value of 95%. In summary, the available evidence is currently insufficient to determine the role of this variant in disease. Therefore, it has been classified as a Variant of Uncertain Significance.

Ambry Genetics
Classification: Uncertain significance for Inborn genetic diseases. Last evaluated: 2025-02-19. Review status: criteria provided, single submitter. Criteria: Ambry Variant Classification Scheme 2023. Collection method: clinical testing. Allele origin: germline.

Blueprint Genetics
Classification: Uncertain significance. Last evaluated: 2024-02-19. Review status: criteria provided, single submitter. Criteria: ACMG Guidelines, 2015. Collection method: clinical testing. Allele origin: germline.

Laboratory for Molecular Medicine, Mass General Brigham Personalized Medicine
Classification: Uncertain significance. Last evaluated: 2020-08-17. Review status: criteria provided, single submitter. Criteria: ACMG Guidelines, 2015. Collection method: clinical testing. Allele origin: germline.
Comment: The p.Met662Leu variant in MYO7A has not been previously reported in individuals with hearing loss or Usher syndrome, but has been identified in .01% (2/19358) of East Asian chromosomes by the Genome Aggregation Database (gnomAD; dbSNP rs782485961). This variant has also been reported in ClinVar (Variation ID 517510). Computational prediction tools and conservation analyses do not provide strong support for or against an impact to the protein. In summary, the clinical significance of this variant is uncertain. ACMG/AMP criteria applied: PM2_Supporting.

Natera, Inc.
Classification: Uncertain significance for Usher syndrome type 1B. Last evaluated: 2020-01-24. Review status: no assertion criteria provided. Collection method: clinical testing. Allele origin: germline. Not counted in ClinVar's aggregate classification.

NM_000260.4(MYO7A):c.1984A>T (p.Met662Leu)

Gene: MYO7A (myosin VIIA; plus strand). Cytogenetic location: 11q13.5.
Variant type: single nucleotide variant.
Coding change: c.1984A>T on transcript NM_000260.4 (MANE Select); coding-DNA position 1984, A replaced by T.
Protein change: p.Met662Leu; replaces methionine 662 with leucine.
Molecular consequence: missense variant.
Genome position (GRCh38, 1-based): chr11:77,174,804, A>T. VCF-style: chr11-77174804-A-T. GRCh37 (hg19) VCF-style: chr11-76885850-A-T.
Other names: c.1984A>T, p.Met662Leu (NM_001127180.2); c.1951A>T, p.Met651Leu (NM_001369365.1); short protein forms M662L, M651L.
Identifiers: ClinVar variation 517510 (VCV000517510.13), dbSNP rs782485961, ClinGen allele CA6197657.